The following is an entry in ClinVar:

ClinVar aggregate classification (germline): Uncertain significance (1 of 4 stars; one submission).

Submission:

Labcorp Genetics (formerly Invitae), Labcorp
Classification: Uncertain significance. Last evaluated: 2022-01-27. Review status: criteria provided, single submitter. Criteria: Invitae Variant Classification Sherloc (09022015). Collection method: clinical testing. Allele origin: germline.
Comment: Experimental studies and prediction algorithms are not available or were not evaluated, and the functional significance of this variant is currently unknown. A similar copy number variant has been observed in individual(s) with clinical features of lissencephaly (Invitae). This variant is a gross deletion of the genomic region encompassing exon(s) 11 of the PAFAH1B1 gene, which includes the termination codon. This deletion extends beyond the assayed region for this gene and therefore may encompass additional genes. While this deletion is not anticipated to lead to nonsense mediated decay, it is expected to alter mRNA translation or result in a truncated protein product. This variant disrupts the C-terminus of the PAFAH1B1 protein. Other variant(s) that disrupt this region (p.Glu402*) have been observed in individuals with PAFAH1B1-related conditions (PMID: 17664403). This suggests that this may be a clinically significant region of the protein. In summary, the available evidence is currently insufficient to determine the role of this variant in disease. Therefore, it has been classified as a Variant of Uncertain Significance.

Literature cited by the submitters: PubMed 17664403.

NC_000017.10:g.(?_2585003)_(2585096_?)del

Gene: PAFAH1B1 (platelet activating factor acetylhydrolase 1b regulatory subunit 1; plus strand). Cytogenetic location: 17p13.3.
Variant type: Deletion.
Identifiers: ClinVar variation 2423072 (VCV002423072.4).